The following is an entry in ClinVar:

ClinVar aggregate classification (germline): Uncertain significance (1 of 4 stars; one submission).

Submission:

Labcorp Genetics (formerly Invitae), Labcorp
Classification: Uncertain significance. Last evaluated: 2024-09-22. Review status: criteria provided, single submitter. Criteria: Invitae Variant Classification Sherloc (09022015). Collection method: clinical testing. Allele origin: germline.
Comment: This sequence change results in a frameshift in the NTHL1 gene (p.Val293Leufs*49). While this is not anticipated to result in nonsense mediated decay, it is expected to disrupt the last 20 amino acid(s) of the NTHL1 protein and extend the protein by 28 additional amino acid residues. This variant is not present in population databases (gnomAD no frequency). This variant has not been reported in the literature in individuals affected with NTHL1-related conditions. This variant disrupts a region of the NTHL1 protein in which other variant(s) (p.His298Arg) have been observed in individuals with NTHL1-related conditions (internal data). This suggests that this is a clinically significant region of the protein, and that variants that disrupt it are likely to be disease-causing. In summary, the available evidence is currently insufficient to determine the role of this variant in disease. Therefore, it has been classified as a Variant of Uncertain Significance.

NM_002528.7(NTHL1):c.850_851dup (p.Val285fs)

Gene: NTHL1 (nth like DNA glycosylase 1; minus strand). Cytogenetic location: 16p13.3.
Variant type: Duplication.
Coding change: c.850_851dup on transcript NM_002528.7 (MANE Select); coding-DNA positions 850 to 851, 2 bases duplicated (CC; older notation c.850_851dupCC).
Protein change: p.Val285fs; shifts the reading frame from valine 285.
Molecular consequence: frameshift variant.
Genome position (GRCh38, 1-based): chr16:2,039,988-2,039,989, GG duplicated on the plus strand (CC on the coding strand, the reverse complement: NTHL1 is on the minus strand). VCF-style (leftmost placement, unchanged base first): chr16-2039987-A-AGG. GRCh37 (hg19) VCF-style: chr16-2089988-A-AGG.
Other names: c.679_680dup, p.Val228fs (NM_001318193.2); c.520_521dup, p.Val175fs (NM_001318194.2); short protein forms V175fs, V285fs, V228fs.
Identifiers: ClinVar variation 3721292 (VCV003721292.2).